The following is an entry in ClinVar:

NM_198578.4(LRRK2):c.1073C>T (p.Thr358Met)

Gene: LRRK2 (leucine rich repeat kinase 2; plus strand). Cytogenetic location: 12q12.
Variant type: single nucleotide variant.
Coding change: c.1073C>T on transcript NM_198578.4 (MANE Select); coding-DNA position 1073, C replaced by T.
Protein change: p.Thr358Met; replaces threonine 358 with methionine.
Molecular consequence: missense variant.
Genome position (GRCh38, 1-based): chr12:40,251,346, C>T. VCF-style: chr12-40251346-C-T. GRCh37 (hg19) VCF-style: chr12-40645148-C-T.
Other names: p.Thr358Met; short protein forms T358M.
Identifiers: ClinVar variation 663402 (VCV000663402.18), dbSNP rs141262110, ClinGen allele CA6513267.

ClinVar aggregate classification (germline): Conflicting classifications of pathogenicity. Review status: criteria provided, conflicting classifications (1 of 4 stars). 5 submissions from 5 submitters: Uncertain significance (3); Likely benign (2). Last evaluated 2026-08-01.

Conditions:
Autosomal dominant Parkinson disease 8. Also called: Parkinson disease 8, susceptibility to; LRRK2-Related Parkinson Disease; Parkinson disease 8. Identifiers: Orphanet 411602, MedGen C1846862, MONDO:0011764, OMIM 607060.
Inborn genetic diseases. Identifiers: MedGen C0950123, MeSH D030342.

Allele frequency attached by ClinVar (database versions not stated): ESP Exome Variant Server 0.00015; gnomAD exomes 0.00020 and 0.00009; ExAC 0.00007; gnomAD 0.00009; TOPMed 0.00010.
gnomAD v4.1: 305 of 1,613,524 alleles (0.019%); highest among the groups gnomAD compares: Non-Finnish European, 0.024%; no homozygotes.

Submissions (5):

CeGaT Center for Human Genetics Tuebingen
Classification: Likely benign. Last evaluated: 2026-08-01. Review status: criteria provided, single submitter. Criteria: CeGaT Center For Human Genetics Tuebingen Variant Classification Criteria Version 2. Collection method: clinical testing. Allele origin: germline. Affected: yes. Observed: 1 variant allele.
Comment: LRRK2: BP4

Mayo Clinic Laboratories, Mayo Clinic
Classification: Uncertain significance. Last evaluated: 2025-09-23. Review status: criteria provided, single submitter. Criteria: ACMG Guidelines, 2015. Collection method: clinical testing. Allele origin: germline. Observed: 2 variant alleles.
Comment: BP4_moderate

Labcorp Genetics (formerly Invitae), Labcorp
Classification: Uncertain significance for Autosomal dominant Parkinson disease 8. Last evaluated: 2024-06-28. Review status: criteria provided, single submitter. Criteria: Invitae Variant Classification Sherloc (09022015). Collection method: clinical testing. Allele origin: germline.
Comment: This sequence change replaces threonine, which is neutral and polar, with methionine, which is neutral and non-polar, at codon 358 of the LRRK2 protein (p.Thr358Met). This variant is present in population databases (rs141262110, gnomAD 0.02%). This variant has not been reported in the literature in individuals affected with LRRK2-related conditions. ClinVar contains an entry for this variant (Variation ID: 663402). Algorithms developed to predict the effect of missense changes on protein structure and function output the following: SIFT: "Not Available"; PolyPhen-2: "Benign"; Align-GVGD: "Not Available". The methionine amino acid residue is found in multiple mammalian species, which suggests that this missense change does not adversely affect protein function. In summary, the available evidence is currently insufficient to determine the role of this variant in disease. Therefore, it has been classified as a Variant of Uncertain Significance.

Ambry Genetics
Classification: Uncertain significance for Inborn genetic diseases. Last evaluated: 2022-11-17. Review status: criteria provided, single submitter. Criteria: Ambry Variant Classification Scheme 2023. Collection method: clinical testing. Allele origin: germline.
Comment: The p.T358M variant (also known as c.1073C>T), located in coding exon 9 of the LRRK2 gene, results from a C to T substitution at nucleotide position 1073. The threonine at codon 358 is replaced by methionine, an amino acid with similar properties. This amino acid position is conserved. In addition, this alteration is predicted to be tolerated by in silico analysis. Since supporting evidence is limited at this time, the clinical significance of this alteration remains unclear.

Illumina Laboratory Services, Illumina
Classification: Likely benign for Autosomal dominant Parkinson disease 8. Last evaluated: 2018-03-06. Review status: criteria provided, single submitter. Criteria: ICSL Variant Classification Criteria 13 December 2019. Collection method: clinical testing. Allele origin: germline.
Comment: This variant was observed in the ICSL laboratory as part of a predisposition screen in an ostensibly healthy population. It had not been previously curated by ICSL or reported in the Human Gene Mutation Database (HGMD: prior to June 1st, 2018), and was therefore a candidate for classification through an automated scoring system. Utilizing variant allele frequency, disease prevalence and penetrance estimates, and inheritance mode, an automated score was calculated to assess if this variant is too frequent to cause the disease. Based on the score and internal cut-off values, a variant classified as likely benign is not then subjected to further curation. The score for this variant resulted in a classification of likely benign for this disease.